The following is an entry in ClinVar:

NM_000044.6(AR):c.171GCA[19] (p.Gln77_Gln80del)

Genes: AR (androgen receptor; plus strand), LOC109504725 (androgen receptor repeat instability region; plus strand). Cytogenetic location: Xq12.
Variant type: Microsatellite.
Coding change: c.171GCA[19] on transcript NM_000044.6 (MANE Select); 19 copies in a row of the 3-base unit GCA starting at c.171; the reference has 23 copies in a row; four copies, 12 bases deleted; also written c.228_239del.
Protein change: p.Gln77_Gln80del.
Molecular consequence: inframe deletion. On other transcripts: 5 prime UTR variant (1).
Genome position (GRCh38, 1-based): chrX:67,545,374-67,545,385, GCAGCAGCAGCA deleted; deleting any 12 consecutive bases within chrX:67,545,317-67,545,385 gives the same sequence; the position shown is the placement nearest the transcript's 3' end. VCF-style (leftmost placement, unchanged base first): chrX-67545316-TGCAGCAGCAGCA-T. GRCh37 (hg19) VCF-style: chrX-66765158-TGCAGCAGCAGCA-T.
Other names: c.228_239delGCAGCAGCAGCA (NM_000044.3); c.228_239del (NM_000044.3); c.228_239del12 (NM_000044.6); c.-1613GCA[19] (NM_001011645.3); c.171GCA[19], p.Gln77_Gln80del (NM_001348061.1, NM_001348063.1, NM_001348064.1).
Identifiers: ClinVar variation 464796 (VCV000464796.22), dbSNP rs3032358, ClinGen allele CA10436233.

ClinVar aggregate classification (germline): Benign. Review status: criteria provided, multiple submitters, no conflicts (2 of 4 stars). 8 submissions from 8 submitters: Benign (6). 2 of the submissions do not count toward it. Last evaluated 2026-03-27.

Conditions:
Kennedy disease (SMAX1). Also called: SPINAL AND BULBAR MUSCULAR ATROPHY, X-LINKED 1; KENNEDY SPINAL AND BULBAR MUSCULAR ATROPHY; Spinal and Bulbar Muscular Atrophy. Identifiers: Orphanet 481, MedGen C1839259, MONDO:0010735, OMIM 313200.
Androgen resistance syndrome (AIS). Also called: DHTR DEFICIENCY; ANDROGEN RECEPTOR DEFICIENCY; DIHYDROTESTOSTERONE RECEPTOR DEFICIENCY; TESTICULAR FEMINIZATION SYNDROME; Androgen insensitivity syndrome due to coactivator deficiency; Androgen insensitivity syndrome. Identifiers: Orphanet 754, Orphanet 99429, MedGen C0039585, MONDO:0019154, OMIM 300068. Disease mechanism: loss of function.

Submissions (8):

Women's Health and Genetics/Laboratory Corporation of America, LabCorp
Classification: Benign. Last evaluated: 2026-03-27. Review status: criteria provided, single submitter. Criteria: LabCorp Variant Classification Summary - May 2015. Collection method: clinical testing. Allele origin: germline.
Comment: Variant summary: AR c.228_239del12 (p.Gln77_Gln80del) results in an in-frame deletion that is predicted to remove 4 amino acids from a repeat region in the encoded protein. The variant allele was found at a frequency of 0.021 in 990164 control chromosomes in the gnomAD database, including 391 homozygotes and 2387 hemizygotes. The observed variant frequency exceeds the estimated maximal expected allele frequency for disease-causing variants in AR. To our knowledge, no occurrence of c.228_239del12 in individuals affected with AR-related conditions and no experimental evidence demonstrating its impact on protein function have been reported. ClinVar contains an entry for this variant (Variation ID: 464796). Based on the evidence outlined above, the variant was classified as benign.

Labcorp Genetics (formerly Invitae), Labcorp
Classification: Benign for Kennedy disease; Androgen resistance syndrome. Last evaluated: 2026-02-01. Review status: criteria provided, single submitter. Criteria: Invitae Variant Classification Sherloc (09022015). Collection method: clinical testing. Allele origin: germline.

Laboratory of Genetics, Children's Clinical University Hospital Latvia
Classification: Benign. Last evaluated: 2025-02-16. Review status: criteria provided, single submitter. Criteria: ACMG Guidelines, 2015. Collection method: clinical testing. Allele origin: germline. Affected: yes.

Blueprint Genetics
Classification: Benign. Last evaluated: 2024-11-28. Review status: criteria provided, single submitter. Criteria: ACMG Guidelines, 2015. Collection method: clinical testing. Allele origin: germline.

Department of Pathology and Laboratory Medicine, Sinai Health System
Classification: Benign for Kennedy disease. Last evaluated: 2023-04-19. Review status: criteria provided, single submitter. Criteria: ACMG Guidelines, 2015. Collection method: research. Allele origin: germline.

GeneDx
Classification: Benign. Last evaluated: 2015-03-03. Review status: criteria provided, single submitter. Criteria: GeneDx Variant Classification Process June 2021. Collection method: clinical testing. Allele origin: germline. Affected: yes.

Clinical Genetics DNA and cytogenetics Diagnostics Lab, Erasmus MC, Erasmus Medical Center
Classification: Benign. Review status: no assertion criteria provided. Collection method: clinical testing. Allele origin: germline. Affected: yes. Study: VKGL Data-share Consensus. Not counted in ClinVar's aggregate classification.

Genome Diagnostics Laboratory, University Medical Center Utrecht
Classification: Benign. Review status: no assertion criteria provided. Collection method: clinical testing. Allele origin: germline. Affected: yes. Study: VKGL Data-share Consensus. Not counted in ClinVar's aggregate classification.